The following is an entry in ClinVar:

NM_177550.5(SLC13A5):c.320A>G (p.Lys107Arg)

Gene: SLC13A5 (solute carrier family 13 member 5; minus strand). Cytogenetic location: 17p13.1.
Variant type: single nucleotide variant.
Coding change: c.320A>G on transcript NM_177550.5 (MANE Select); coding-DNA position 320, A replaced by G.
Protein change: p.Lys107Arg; replaces lysine 107 with arginine.
Molecular consequence: missense variant.
Genome position (GRCh38, 1-based): chr17:6,706,690, T>C on the plus strand (A>G on the coding strand, the complement: SLC13A5 is on the minus strand). VCF-style: chr17-6706690-T-C. GRCh37 (hg19) VCF-style: chr17-6610009-T-C.
Other names: c.320A>G, p.Lys107Arg (NM_001143838.3, NM_001284509.2); c.191A>G, p.Lys64Arg (NM_001284510.2); c.320A>G (NM_177550.3); short protein forms K107R, K64R.
Identifiers: ClinVar variation 842675 (VCV000842675.8), dbSNP rs376995742, ClinGen allele CA8331778.

ClinVar aggregate classification (germline): Uncertain significance. Review status: criteria provided, multiple submitters, no conflicts (2 of 4 stars). 2 submissions from 2 submitters: Uncertain significance (2). Last evaluated 2025-01-30.

Conditions:
Inborn genetic diseases. Identifiers: MedGen C0950123, MeSH D030342.
Developmental and epileptic encephalopathy, 25 (DEE25). Also called: Epileptic encephalopathy, early infantile, 25; Developmental and epileptic encephalopathy 25, with amelogenesis imperfecta; Epileptic encephalopathy, early infantile, 25, with amelogenesis imperfecta. Identifiers: Orphanet 442835, MedGen C4014621, MONDO:0014392, OMIM 615905.

Allele frequency attached by ClinVar (database versions not stated): gnomAD 0.00003 and 0.00004; gnomAD exomes 0.00006 and 0.00010; TOPMed 0.00006; ESP Exome Variant Server 0.00008; ExAC 0.00016.
gnomAD v4.1: 91 of 1,613,834 alleles (0.0056%); highest among the groups gnomAD compares: Non-Finnish European, 0.007%; no homozygotes.

Submissions (2):

Ambry Genetics
Classification: Uncertain significance for Inborn genetic diseases. Last evaluated: 2025-01-30. Review status: criteria provided, single submitter. Criteria: Ambry Variant Classification Scheme 2023. Collection method: clinical testing. Allele origin: germline.

Labcorp Genetics (formerly Invitae), Labcorp
Classification: Uncertain significance for Developmental and epileptic encephalopathy, 25. Last evaluated: 2022-07-05. Review status: criteria provided, single submitter. Criteria: Invitae Variant Classification Sherloc (09022015). Collection method: clinical testing. Allele origin: germline.
Comment: This sequence change replaces lysine, which is basic and polar, with arginine, which is basic and polar, at codon 107 of the SLC13A5 protein (p.Lys107Arg). This variant is present in population databases (rs376995742, gnomAD 0.02%). This variant has not been reported in the literature in individuals affected with SLC13A5-related conditions. ClinVar contains an entry for this variant (Variation ID: 842675). Algorithms developed to predict the effect of missense changes on protein structure and function output the following: SIFT: "Tolerated"; PolyPhen-2: "Benign"; Align-GVGD: "Class C0". The arginine amino acid residue is found in multiple mammalian species, which suggests that this missense change does not adversely affect protein function. Algorithms developed to predict the effect of sequence changes on RNA splicing suggest that this variant may create or strengthen a splice site. In summary, the available evidence is currently insufficient to determine the role of this variant in disease. Therefore, it has been classified as a Variant of Uncertain Significance.